The following is an entry in ClinVar:

ClinVar aggregate classification (germline): Uncertain significance (1 of 4 stars; one submission).

gnomAD v4.1: 1 of 1,613,964 alleles (0.000062%); no homozygotes.

Submission:

GeneDx
Classification: Uncertain significance. Last evaluated: 2025-11-01. Review status: criteria provided, single submitter. Criteria: GeneDx Variant Classification Process June 2021. Collection method: clinical testing. Allele origin: germline.
Comment: Not observed at significant frequency in large population cohorts (gnomAD); In silico analysis supports that this missense variant has a deleterious effect on protein structure/function; Has not been previously published as pathogenic or benign to our knowledge

NM_023110.3(FGFR1):c.1007C>T (p.Ala336Val)

Gene: FGFR1 (fibroblast growth factor receptor 1; minus strand). Cytogenetic location: 8p11.23.
Variant type: single nucleotide variant.
Coding change: c.1007C>T on transcript NM_023110.3 (MANE Select); coding-DNA position 1007, C replaced by T.
Protein change: p.Ala336Val; replaces alanine 336 with valine.
Molecular consequence: missense variant.
Genome position (GRCh38, 1-based): chr8:38,421,871, G>A on the plus strand (C>T on the coding strand, the complement: FGFR1 is on the minus strand). VCF-style: chr8-38421871-G-A. GRCh37 (hg19) VCF-style: chr8-38279389-G-A.
Other names: c.1007C>T, p.Ala336Val (NM_001174063.2); c.983C>T, p.Ala328Val (NM_001174064.2); c.1001C>T, p.Ala334Val (NM_001174065.2, NM_001354367.2, NM_001354369.2 and 2 more transcripts); c.740C>T, p.Ala247Val (NM_001174066.2, NM_023105.3); c.1100C>T, p.Ala367Val (NM_001174067.2); c.734C>T, p.Ala245Val (NM_001354368.2, NM_001354370.2, NM_023106.3); short protein forms A328V, A367V, A247V, A336V, A245V, A334V.
Identifiers: ClinVar variation 3731106 (VCV003731106.2).